The following is an entry in ClinVar:

NM_152564.5(VPS13B):c.8691G>A (p.Lys2897=)

Gene: VPS13B (vacuolar protein sorting 13 homolog B; plus strand). Cytogenetic location: 8q22.2.
Variant type: single nucleotide variant.
Coding change: c.8691G>A on transcript NM_152564.5 (MANE Select); coding-DNA position 8691, G replaced by A.
Protein change: p.Lys2897=; no amino-acid change (lysine 2897 retained).
Molecular consequence: synonymous variant.
Genome position (GRCh38, 1-based): chr8:99,819,481, G>A. VCF-style: chr8-99819481-G-A. GRCh37 (hg19) VCF-style: chr8-100831709-G-A.
Other names: c.8691G>A (NM_152564.4); c.8766G>A, p.Lys2922= (NM_017890.5).
Identifiers: ClinVar variation 1110441 (VCV001110441.10), dbSNP rs1364307723, ClinGen allele CA462339480.

ClinVar aggregate classification (germline): Likely benign. Review status: criteria provided, single submitter (1 of 4 stars). 2 submissions from 2 submitters: Likely benign (1). 1 of the submissions does not count toward it. Last evaluated 2023-07-26.

Conditions:
Cohen syndrome (COH1). Also called: Cutis verticis gyrata, retinitis pigmentosa, and sensorineural deafness; PEPPER SYNDROME. Identifiers: Orphanet 193, MedGen C0265223, MONDO:0008999, OMIM 216550.
VPS13B-related disorder. Also called: VPS13B-related condition.

Allele frequency attached by ClinVar (database versions not stated): gnomAD 0.00001; TOPMed 0.00002.
gnomAD v4.1: 3 of 1,613,706 alleles (0.00019%); highest among the groups gnomAD compares: African/African-American, 0.0013%; no homozygotes.

Submissions (2):

Labcorp Genetics (formerly Invitae), Labcorp
Classification: Likely benign for Cohen syndrome. Last evaluated: 2023-07-26. Review status: criteria provided, single submitter. Criteria: Invitae Variant Classification Sherloc (09022015). Collection method: clinical testing. Allele origin: germline.

PreventionGenetics, part of Exact Sciences
Classification: Likely benign for VPS13B-related condition. Last evaluated: 2023-03-30. Review status: no assertion criteria provided. Collection method: clinical testing. Allele origin: germline. Not counted in ClinVar's aggregate classification.
Comment: This variant is classified as likely benign based on ACMG/AMP sequence variant interpretation guidelines (Richards et al. 2015 PMID: 25741868, with internal and published modifications).